The following is an entry in ClinVar:

NM_001036.6(RYR3):c.4626T>C (p.Cys1542=)

Gene: RYR3 (ryanodine receptor 3; plus strand). Cytogenetic location: 15q14.
Variant type: single nucleotide variant.
Coding change: c.4626T>C on transcript NM_001036.6 (MANE Select); coding-DNA position 4626, T replaced by C.
Protein change: p.Cys1542=; no amino-acid change (cysteine 1542 retained).
Molecular consequence: synonymous variant.
Genome position (GRCh38, 1-based): chr15:33,662,156, T>C. VCF-style: chr15-33662156-T-C. GRCh37 (hg19) VCF-style: chr15-33954357-T-C.
Other names: c.4626T>C, p.Cys1542= (NM_001243996.4).
Identifiers: ClinVar variation 3055139 (VCV003055139.2), dbSNP rs1050116892, ClinGen allele CA268542875.

ClinVar aggregate classification (germline): Likely benign (0 of 4 stars; one submission).

Conditions:
RYR3-related disorder. Also called: RYR3-related condition.

Allele frequency attached by ClinVar (database versions not stated): TOPMed 0.00001.

Submission:

PreventionGenetics, part of Exact Sciences
Classification: Likely benign for RYR3-related condition. Last evaluated: 2020-03-30. Review status: no assertion criteria provided. Collection method: clinical testing. Allele origin: germline.
Comment: This variant is classified as likely benign based on ACMG/AMP sequence variant interpretation guidelines (Richards et al. 2015 PMID: 25741868, with internal and published modifications).